The following is an entry in ClinVar:

NM_001012339.3(DNAJC21):c.1568G>C (p.Ser523Thr)

Gene: DNAJC21 (DnaJ heat shock protein family (Hsp40) member C21; plus strand). Cytogenetic location: 5p13.2.
Variant type: single nucleotide variant.
Coding change: c.1568G>C on transcript NM_001012339.3 (MANE Select); coding-DNA position 1568, G replaced by C.
Protein change: p.Ser523Thr; replaces serine 523 with threonine.
Molecular consequence: missense variant.
Genome position (GRCh38, 1-based): chr5:34,954,686, G>C. VCF-style: chr5-34954686-G-C. GRCh37 (hg19) VCF-style: chr5-34954791-G-C.
Other names: c.1607G>C, p.Ser536Thr (NM_001348420.2); c.1703G>C, p.Ser568Thr (NM_194283.4); c.1703G>C (NM_194283.3); short protein forms S568T, S536T, S523T.
Identifiers: ClinVar variation 1384510 (VCV001384510.7), dbSNP rs752909229, ClinGen allele CA359424788.
Genomic context (GRCh38, chr5:34,954,686, plus strand): 5'-CCACAGGTCATGCAAGAGCACCTTCATCATCGTCTTTAAACAGCGCAACAAGTAGTCAAA[G>C]CAAGAAAGAGAAACGTAAAAACAGATAGAGATTCTGCCTGTGCTTTTGTTTGACTGTCTC-3'
Protein context (NP_001012339.2, residues 513-531): SSLNSATSSQ[Ser523Thr]KKEKRKNR

ClinVar aggregate classification (germline): Uncertain significance. Review status: criteria provided, multiple submitters, no conflicts (2 of 4 stars). 2 submissions from 2 submitters: Uncertain significance (2). Last evaluated 2025-12-08.

Conditions:
Inborn genetic diseases. Identifiers: MedGen C0950123, MeSH D030342.

Submissions (2):

Ambry Genetics
Classification: Uncertain significance for Inborn genetic diseases. Last evaluated: 2025-12-08. Review status: criteria provided, single submitter. Criteria: Ambry Variant Classification Scheme 2023. Collection method: clinical testing. Allele origin: germline.

Labcorp Genetics (formerly Invitae), Labcorp
Classification: Uncertain significance. Last evaluated: 2024-05-06. Review status: criteria provided, single submitter. Criteria: Invitae Variant Classification Sherloc (09022015). Collection method: clinical testing. Allele origin: germline.
Comment: This sequence change replaces serine, which is neutral and polar, with threonine, which is neutral and polar, at codon 523 of the DNAJC21 protein (p.Ser523Thr). This variant is present in population databases (no rsID available, gnomAD 0.009%). This variant has not been reported in the literature in individuals affected with DNAJC21-related conditions. ClinVar contains an entry for this variant (Variation ID: 1384510). An algorithm developed to predict the effect of missense changes on protein structure and function (PolyPhen-2) suggests that this variant¬†is likely to be tolerated. In summary, the available evidence is currently insufficient to determine the role of this variant in disease. Therefore, it has been classified as a Variant of Uncertain Significance.